The following is an entry in ClinVar:

ClinVar aggregate classification (germline): Uncertain significance (1 of 4 stars; one submission).

Conditions:
Leigh syndrome (NULS). Also called: Leigh's necrotizing encephalopathy; Leigh's disease; Leigh Syndrome (mtDNA deletion); Leigh Disease; Subacute necrotizing encephalopathy; Necrotizing encephalopathy infantile subacute of Leigh. Identifiers: Orphanet 506, MedGen C2931891, MONDO:0009723, OMIM 256000.

Submission:

Wong Mito Lab, Molecular and Human Genetics, Baylor College of Medicine
Classification: Uncertain significance for Leigh syndrome. Last evaluated: 2019-10-17. Review status: criteria provided, single submitter. Criteria: Modified ACMG Guidelines (Unpublished). Collection method: clinical testing. Allele origin: germline.
Comment: The NC_012920.1:m.10863G>A (YP_003024035.1:p.Ser35Asn) variant in MTND4 gene is interpretated to be a Uncertain Significance variant based on the modified ACMG guidelines (unpublished). This variant meets the following evidence codes: no criteria

NC_012920.1(MT-ND4):m.10863G>A

Gene: MT-ND4 (mitochondrially encoded NADH dehydrogenase 4; plus strand).
Variant type: single nucleotide variant.
Genome position: chrM-10863-G-A.
Identifiers: ClinVar variation 693321 (VCV000693321.1), dbSNP rs1603222992, ClinGen allele CA414807250.